The following is an entry in ClinVar:

ClinVar aggregate classification (germline): Likely benign (1 of 4 stars; one submission).

Allele frequency attached by ClinVar (database versions not stated): gnomAD exomes 0.00027 and 0.00079; ExAC 0.00102; gnomAD 0.00271 and 0.00297; TOPMed 0.00320; 1000 Genomes Project 0.00339; 1000 Genomes Project 30x 0.00359; ESP Exome Variant Server 0.00377.

Submission:

GeneDx
Classification: Likely benign. Last evaluated: 2022-01-09. Review status: criteria provided, single submitter. Criteria: GeneDx Variant Classification Process June 2021. Collection method: clinical testing. Allele origin: germline. Affected: yes.
Comment: See Variant Classification Assertion Criteria.

NM_024513.4(FYCO1):c.395+44A>G

Gene: FYCO1 (FYVE and coiled-coil domain autophagy adaptor 1; minus strand). Cytogenetic location: 3p21.31.
Variant type: single nucleotide variant.
Coding change: c.395+44A>G on transcript NM_024513.4 (MANE Select); 44 bases into the intron after coding-DNA position 395, A replaced by G.
Molecular consequence: intron variant.
Genome position (GRCh38, 1-based): chr3:45,975,195, T>C on the plus strand (A>G on the coding strand, the complement: FYCO1 is on the minus strand). VCF-style: chr3-45975195-T-C. GRCh37 (hg19) VCF-style: chr3-46016687-T-C.
Other names: c.-61-5430A>G (NM_001386430.1); c.275+44A>G (NM_001386426.1); c.395+44A>G (NM_001386427.1, NM_001386423.1, NM_001386429.1 and 5 more transcripts).
Identifiers: ClinVar variation 1695504 (VCV001695504.2), dbSNP rs144873702, ClinGen allele CA2353484.